The following is an entry in ClinVar:

NM_001369.3(DNAH5):c.5393delinsATAAGAGACAGT (p.Ser1798fs)

Gene: DNAH5 (dynein axonemal heavy chain 5; minus strand). Cytogenetic location: 5p15.2.
Variant type: Indel.
Coding change: c.5393delinsATAAGAGACAGT on transcript NM_001369.3 (MANE Select); coding-DNA position 5393, C replaced by ATAAGAGACAGT.
Protein change: p.Ser1798fs; shifts the reading frame from serine 1798.
Molecular consequence: frameshift variant.
Genome position (GRCh38, 1-based): chr5:13,841,783, G replaced by ACTGTCTCTTAT on the plus strand (C replaced by ATAAGAGACAGT on the coding strand, the reverse complement: DNAH5 is on the minus strand). VCF-style: chr5-13841783-G-ACTGTCTCTTAT. GRCh37 (hg19) VCF-style: chr5-13841892-G-ACTGTCTCTTAT.
Other names: short protein forms S1798fs.
Identifiers: ClinVar variation 5011051 (VCV005011051.1).
Genomic context (GRCh38, chr5:13,841,783, plus strand): 5'-AGTTGGAAACCTGTTTCTTGAATATTTGCGGCTGCCTGGCGAATCACAAGATGCAATGAG[G>ACTGTCTCTTAT]ACTGAGATTCTTCCAAAAGAGAATTAAGCCAAACTTCCACATTGCCCTCTGCCATGACAG-3'

ClinVar aggregate classification (germline): Pathogenic (1 of 4 stars; one submission).

Conditions:
Primary ciliary dyskinesia 3. Identifiers: Orphanet 244, MedGen C1837618, MONDO:0012085, OMIM 608644.

Submission:

Myriad Genetics, Inc.
Classification: Pathogenic for Primary ciliary dyskinesia 3. Last evaluated: 2024-05-14. Review status: criteria provided, single submitter. Criteria: Myriad Autosomal Dominant, Autosomal Recessive and X-Linked Classification Criteria (2023). Collection method: clinical testing. Allele origin: unknown.
Comment: NM_001369.2(DNAH5):c.5393del1ins12(S1798Yfs*10) is expected to be pathogenic in the context of primary ciliary dyskinesia, DNAH5-related. This variant is predicted to lead to an abnormal or absent protein product due to the creation of a premature termination codon in DNAH5, a gene where loss-of-function variants are known to be pathogenic. Please note: this variant was assessed in the context of healthy population screening.